The following is an entry in ClinVar:

NM_032043.3:c.(2492_2493)_(3750_?)del

Gene: BRIP1 (BRCA1 interacting DNA helicase 1; minus strand).
Variant type: Deletion.
Other names: c.(2492_2493)_(3750_?)del (NM_032043.3).
Identifiers: ClinVar variation 2580980 (VCV002580980.1).

ClinVar aggregate classification (germline): Pathogenic (1 of 4 stars; one submission).

Conditions:
Familial ovarian cancer. Identifiers: MedGen C5679802, MONDO:0016248.

Submission:

Dr. med. U. Finckh, Human Genetics, Eurofins MVZ
Classification: Pathogenic for Familial ovarian cancer. Last evaluated: 2020-03-31. Review status: criteria provided, single submitter. Criteria: ACMG Guidelines, 2015. Collection method: clinical testing. Allele origin: unknown.
Comment: Deletion of BRIP1 exon 18 to 20.